The following is an entry in ClinVar:

NM_001385174.1(USP36):c.2511T>C (p.Thr837=)

Gene: USP36 (ubiquitin specific peptidase 36; minus strand). Cytogenetic location: 17q25.3.
Variant type: single nucleotide variant.
Coding change: c.2511T>C on transcript NM_001385174.1 (MANE Select); coding-DNA position 2511, T replaced by C.
Protein change: p.Thr837=; no amino-acid change (threonine 837 retained).
Molecular consequence: synonymous variant. On other transcripts: non-coding transcript variant (5).
Genome position (GRCh38, 1-based): chr17:78,803,684, A>G on the plus strand (T>C on the coding strand, the complement: USP36 is on the minus strand). VCF-style: chr17-78803684-A-G. GRCh37 (hg19) VCF-style: chr17-76799766-A-G.
Other names: c.2511T>C, p.Thr837= (NM_001321291.2, NM_001385169.1, NM_001385170.1 and 5 more transcripts); c.2016T>C, p.Thr672= (NM_001385177.1, NM_001385178.1); c.1881T>C, p.Thr627= (NM_001385179.1); c.1854T>C, p.Thr618= (NM_001385180.1).
Identifiers: ClinVar variation 2648380 (VCV002648380.24), dbSNP rs145591044, ClinGen allele CA8806577.

ClinVar aggregate classification (germline): Likely benign (1 of 4 stars; one submission).

Allele frequency attached by ClinVar (database versions not stated): TOPMed 0.00102; gnomAD 0.00118; ESP Exome Variant Server 0.00131; ExAC 0.00160; gnomAD exomes 0.00170.
gnomAD v4.1: 2,622 of 1,610,252 alleles (0.16%); highest among the groups gnomAD compares: Non-Finnish European, 0.21%; 3 homozygotes.

Submission:

CeGaT Center for Human Genetics Tuebingen
Classification: Likely benign. Last evaluated: 2022-04-01. Review status: criteria provided, single submitter. Criteria: CeGaT Center For Human Genetics Tuebingen Variant Classification Criteria Version 2. Collection method: clinical testing. Allele origin: germline. Affected: yes. Observed: 1 variant allele.
Comment: USP36: BP4, BP7